The following is an entry in ClinVar:

NM_000038.6(APC):c.6491G>T (p.Gly2164Val)

Gene: APC (APC regulator of Wnt signaling pathway; plus strand). Cytogenetic location: 5q22.2.
Variant type: single nucleotide variant.
Coding change: c.6491G>T on transcript NM_000038.6 (MANE Select); coding-DNA position 6491, G replaced by T.
Protein change: p.Gly2164Val; replaces glycine 2164 with valine.
Molecular consequence: missense variant. On other transcripts: non-coding transcript variant (2).
Genome position (GRCh38, 1-based): chr5:112,842,085, G>T. VCF-style: chr5-112842085-G-T. GRCh37 (hg19) VCF-style: chr5-112177782-G-T.
Other names: c.6491G>T, p.Gly2164Val (NM_001127510.3, NM_001354895.2, NM_001407450.1); c.6437G>T, p.Gly2146Val (NM_001127511.3); c.6545G>T, p.Gly2182Val (NM_001354896.2, NM_001407447.1, NM_001407448.1 and 1 more transcripts); c.6521G>T, p.Gly2174Val (NM_001354897.2); c.6416G>T, p.Gly2139Val (NM_001354898.2); c.6407G>T, p.Gly2136Val (NM_001354899.2); c.6368G>T, p.Gly2123Val (NM_001354900.2); c.6314G>T, p.Gly2105Val (NM_001354901.2, NM_001407453.1); and 11 more; short protein forms G2004V, G2038V, G2157V, G2182V, G1881V, G2081V, G2123V, G2136V.
Identifiers: ClinVar variation 5024321 (VCV005024321.1).

ClinVar aggregate classification (germline): Uncertain significance (1 of 4 stars; one submission).

Conditions:
Hereditary cancer-predisposing syndrome. Also called: Neoplastic Syndromes, Hereditary; Tumor predisposition; Hereditary neoplastic syndrome; Hereditary Cancer Syndrome. Identifiers: Orphanet 140162, MedGen C0027672, MeSH D009386, MONDO:0015356.

Submission:

Ambry Genetics
Classification: Uncertain significance for Hereditary cancer-predisposing syndrome. Last evaluated: 2026-07-06. Review status: criteria provided, single submitter. Criteria: Ambry Variant Classification Scheme 2023. Collection method: clinical testing. Allele origin: germline.
Comment: The p.G2164V variant (also known as c.6491G>T), located in coding exon 15 of the APC gene, results from a G to T substitution at nucleotide position 6491. The glycine at codon 2164 is replaced by valine, an amino acid with dissimilar properties. This amino acid position is conserved. In addition, in silico predictors for this gene do not accurately predict pathogenicity. Based on the available evidence, the clinical significance of this variant remains unclear.